The following is an entry in ClinVar:

ClinVar aggregate classification (germline): Uncertain significance (1 of 4 stars; one submission).

Conditions:
Sulfite oxidase deficiency due to molybdenum cofactor deficiency type C. Also called: Molybdenum cofactor deficiency C; Molybdenum cofactor deficiency, complementation group C. Identifiers: Orphanet 308400, Orphanet 833, MedGen C1854990, MONDO:0014212, OMIM 615501.

gnomAD v4.1: 1 of 1,613,484 alleles (0.000062%); highest among the groups gnomAD compares: Non-Finnish European, 0.000085%; no homozygotes.

Submission:

Labcorp Genetics (formerly Invitae), Labcorp
Classification: Uncertain significance for Sulfite oxidase deficiency due to molybdenum cofactor deficiency type C. Last evaluated: 2021-11-23. Review status: criteria provided, single submitter. Criteria: Invitae Variant Classification Sherloc (09022015). Collection method: clinical testing. Allele origin: germline.
Comment: In summary, the available evidence is currently insufficient to determine the role of this variant in disease. Therefore, it has been classified as a Variant of Uncertain Significance. Algorithms developed to predict the effect of missense changes on protein structure and function are either unavailable or do not agree on the potential impact of this missense change (SIFT: "Deleterious"; PolyPhen-2: "Possibly Damaging"; Align-GVGD: "Class C0"). This variant has not been reported in the literature in individuals affected with GPHN-related conditions. This variant is not present in population databases (gnomAD no frequency). This sequence change replaces valine, which is neutral and non-polar, with glycine, which is neutral and non-polar, at codon 482 of the GPHN protein (p.Val482Gly).

NM_020806.5(GPHN):c.1445T>G (p.Val482Gly)

Gene: GPHN (gephyrin; plus strand). Cytogenetic location: 14q23.3.
Variant type: single nucleotide variant.
Coding change: c.1445T>G on transcript NM_020806.5 (MANE Select); coding-DNA position 1445, T replaced by G.
Protein change: p.Val482Gly; replaces valine 482 with glycine.
Molecular consequence: missense variant.
Genome position (GRCh38, 1-based): chr14:67,111,892, T>G. VCF-style: chr14-67111892-T-G. GRCh37 (hg19) VCF-style: chr14-67578609-T-G.
Other names: c.1346T>G, p.Val449Gly (NM_001024218.2); c.1505T>G, p.Val502Gly (NM_001377514.1); c.1475T>G, p.Val492Gly (NM_001377515.1); c.1466T>G, p.Val489Gly (NM_001377516.1); c.1418T>G, p.Val473Gly (NM_001377517.1); c.1403T>G, p.Val468Gly (NM_001377518.1); c.1385T>G, p.Val462Gly (NM_001377519.1); short protein forms V462G, V468G, V489G, V449G, V473G, V482G, V502G, V492G.
Identifiers: ClinVar variation 1393290 (VCV001393290.6), dbSNP rs1567347826, ClinGen allele CA390258266.